The following is an entry in ClinVar:

ClinVar aggregate classification (germline): Uncertain significance. Review status: criteria provided, multiple submitters, no conflicts (2 of 4 stars). 2 submissions from 2 submitters: Uncertain significance (2). Last evaluated 2024-10-21.

Conditions:
Inborn genetic diseases. Identifiers: MedGen C0950123, MeSH D030342.

Allele frequency attached by ClinVar (database versions not stated): ExAC 0.00001; gnomAD exomes 0.00001; gnomAD 0.00003; TOPMed 0.00003; 1000 Genomes Project 30x 0.00016; 1000 Genomes Project 0.00020.
gnomAD v4.1: 12 of 1,613,876 alleles (0.00074%); highest among the groups gnomAD compares: African/African-American, 0.016%; no homozygotes.

Submissions (2):

Ambry Genetics
Classification: Uncertain significance for Inborn genetic diseases. Last evaluated: 2024-10-21. Review status: criteria provided, single submitter. Criteria: Ambry Variant Classification Scheme 2023. Collection method: clinical testing. Allele origin: germline.

Labcorp Genetics (formerly Invitae), Labcorp
Classification: Uncertain significance. Last evaluated: 2022-07-23. Review status: criteria provided, single submitter. Criteria: Invitae Variant Classification Sherloc (09022015). Collection method: clinical testing. Allele origin: germline.
Comment: This sequence change replaces lysine, which is basic and polar, with glutamic acid, which is acidic and polar, at codon 1868 of the DMXL2 protein (p.Lys1868Glu). This variant is present in population databases (rs142524947, gnomAD 0.008%). This variant has not been reported in the literature in individuals affected with DMXL2-related conditions. Algorithms developed to predict the effect of missense changes on protein structure and function (SIFT, PolyPhen-2, Align-GVGD) all suggest that this variant is likely to be tolerated. In summary, the available evidence is currently insufficient to determine the role of this variant in disease. Therefore, it has been classified as a Variant of Uncertain Significance.

NM_001378457.1(DMXL2):c.5602A>G (p.Lys1868Glu)

Gene: DMXL2 (Dmx like 2; minus strand). Cytogenetic location: 15q21.2.
Variant type: single nucleotide variant.
Coding change: c.5602A>G on transcript NM_001378457.1 (MANE Select); coding-DNA position 5602, A replaced by G.
Protein change: p.Lys1868Glu; replaces lysine 1868 with glutamic acid.
Molecular consequence: missense variant. On other transcripts: non-coding transcript variant (2).
Genome position (GRCh38, 1-based): chr15:51,481,504, T>C on the plus strand (A>G on the coding strand, the complement: DMXL2 is on the minus strand). VCF-style: chr15-51481504-T-C. GRCh37 (hg19) VCF-style: chr15-51773701-T-C.
Other names: c.5602A>G, p.Lys1868Glu (NM_001174116.3, NM_001378458.1, NM_001378459.1 and 4 more transcripts); c.3694A>G, p.Lys1232Glu (NM_001174117.3); c.3583A>G, p.Lys1195Glu (NM_001378460.1); c.5362A>G, p.Lys1788Glu (NM_001378464.1); c.5602A>G (NM_001174116.1); short protein forms K1788E, K1868E, K1232E, K1195E.
Identifiers: ClinVar variation 1901678 (VCV001901678.3), dbSNP rs142524947, ClinGen allele CA7561767.